The following is an entry in ClinVar:

NM_005629.4(SLC6A8):c.444_445del (p.Ile149fs)

Gene: SLC6A8 (solute carrier family 6 member 8; plus strand). Cytogenetic location: Xq28.
Variant type: Deletion.
Coding change: c.444_445del on transcript NM_005629.4 (MANE Select); coding-DNA positions 444 to 445, 2 bases deleted (CA; older notation c.444_445delCA).
Protein change: p.Ile149fs; shifts the reading frame from isoleucine 149.
Molecular consequence: frameshift variant.
Genome position (GRCh38, 1-based): chrX:153,691,353-153,691,354, CA deleted; deleting any 2 consecutive bases within chrX:153,691,352-153,691,354 gives the same sequence; the c. name uses the placement nearest the transcript's 3' end. VCF-style (leftmost placement, unchanged base first): chrX-153691351-TAC-T. GRCh37 (hg19) VCF-style: chrX-152956806-TAC-T.
Other names: c.444_445del, p.Ile149fs (NM_001142805.2); c.99_100del, p.Ile34fs (NM_001142806.1); short protein forms I149fs, I34fs.
Identifiers: ClinVar variation 1397100 (VCV001397100.6), dbSNP rs2148361002, ClinGen allele CA2573159467.

ClinVar aggregate classification (germline): Pathogenic (1 of 4 stars; one submission).

Conditions:
Creatine transporter deficiency (CCDS1). Also called: Mental retardation , X-linked with seizures, short stature and midface hypoplasia; Mental retardation , X-linked, with creatine transport deficiency; X-linked creatine transporter deficiency; X-linked creatine deficiency syndrome; SLC6A8-Related Creatine Transporter Deficiency; Creatine Transporter (CRTR) Deficiency. Identifiers: Orphanet 52503, MedGen C1845862, MONDO:0010305, OMIM 300352.

Submission:

Labcorp Genetics (formerly Invitae), Labcorp
Classification: Pathogenic for Creatine transporter deficiency. Last evaluated: 2023-12-06. Review status: criteria provided, single submitter. Criteria: Invitae Variant Classification Sherloc (09022015). Collection method: clinical testing. Allele origin: germline.
Comment: This sequence change creates a premature translational stop signal (p.Ile149Hisfs*39) in the SLC6A8 gene. It is expected to result in an absent or disrupted protein product. Loss-of-function variants in SLC6A8 are known to be pathogenic (PMID: 22281021). This variant is not present in population databases (gnomAD no frequency). This variant has not been reported in the literature in individuals affected with SLC6A8-related conditions. ClinVar contains an entry for this variant (Variation ID: 1397100). Algorithms developed to predict the effect of sequence changes on RNA splicing suggest that this variant may disrupt the consensus splice site. For these reasons, this variant has been classified as Pathogenic.

Literature cited by the submitters: PubMed 22281021.